The following is an entry in ClinVar:

NM_006922.4(SCN3A):c.1931T>C (p.Met644Thr)

Gene: SCN3A (sodium voltage-gated channel alpha subunit 3; minus strand). Cytogenetic location: 2q24.3.
Variant type: single nucleotide variant.
Coding change: c.1931T>C on transcript NM_006922.4 (MANE Select); coding-DNA position 1931, T replaced by C.
Protein change: p.Met644Thr; replaces methionine 644 with threonine.
Molecular consequence: missense variant. On other transcripts: intron variant (2).
Genome position (GRCh38, 1-based): chr2:165,140,739, A>G on the plus strand (T>C on the coding strand, the complement: SCN3A is on the minus strand). VCF-style: chr2-165140739-A-G. GRCh37 (hg19) VCF-style: chr2-165997249-A-G.
Other names: c.1872+59T>C (NM_001081676.2, NM_001081677.2); short protein forms M644T.
Identifiers: ClinVar variation 3600761 (VCV003600761.1).

ClinVar aggregate classification (germline): Uncertain significance (1 of 4 stars; one submission).

gnomAD v4.1: 1 of 1,614,106 alleles (0.000062%); highest among the groups gnomAD compares: Non-Finnish European, 0.000085%; no homozygotes.

Submission:

GeneDx
Classification: Uncertain significance. Last evaluated: 2024-07-22. Review status: criteria provided, single submitter. Criteria: GeneDx Variant Classification Process June 2021. Collection method: clinical testing. Allele origin: germline. Affected: yes.
Comment: Not observed at significant frequency in large population cohorts (gnomAD); In silico analysis supports that this missense variant has a deleterious effect on protein structure/function; Has not been previously published as pathogenic or benign to our knowledge